The following is an entry in ClinVar:

NM_182961.4(SYNE1):c.25717A>T (p.Lys8573Ter)

Gene: SYNE1 (spectrin repeat containing nuclear envelope protein 1; minus strand). Cytogenetic location: 6q25.2.
Variant type: single nucleotide variant.
Coding change: c.25717A>T on transcript NM_182961.4 (MANE Select); coding-DNA position 25717, A replaced by T.
Protein change: p.Lys8573Ter; replaces lysine 8573 with a stop codon.
Molecular consequence: nonsense.
Genome position (GRCh38, 1-based): chr6:152,135,175, T>A on the plus strand (A>T on the coding strand, the complement: SYNE1 is on the minus strand). VCF-style: chr6-152135175-T-A. GRCh37 (hg19) VCF-style: chr6-152456310-T-A.
Other names: c.2323A>T, p.Lys775Ter (NM_001347701.2); c.2251A>T, p.Lys751Ter (NM_001347702.2); c.25573A>T, p.Lys8525Ter (NM_033071.5); short protein forms K751*, K775*, K8525*, K8573*.
Identifiers: ClinVar variation 1334391 (VCV001334391.3), dbSNP rs1562922141, ClinGen allele CA366078625.
Genomic context (GRCh38, chr6:152,135,175, plus strand): 5'-TGTGATGGTCCTGAAGTATCTCTGCATCAAGGTTAGAATCAATAGGGACAATTTCATTTT[T>A]CCTTCTGTCAATGTTCTCCAGCATAAGAAGCAAACCATGGCTCATTTCATGGAAACCCTA-3'

ClinVar aggregate classification (germline): Likely pathogenic (1 of 4 stars; one submission).

Conditions:
Arthrogryposis multiplex congenita 3, myogenic type. Also called: ARTHROGRYPOSIS MULTIPLEX CONGENITA, MYOGENIC TYPE. Identifiers: MedGen C5193121, MONDO:0032778, OMIM 618484.

Allele frequency attached by ClinVar (database versions not stated): gnomAD exomes below 0.00001.
gnomAD v4.1: 3 of 1,614,160 alleles (0.00019%); highest among the groups gnomAD compares: Non-Finnish European, 0.00025%; no homozygotes.

Submission:

Dasa
Classification: Likely pathogenic for Arthrogryposis multiplex congenita 3, myogenic type. Last evaluated: 2022-01-05. Review status: criteria provided, single submitter. Criteria: ACMG Guidelines, 2015. Collection method: clinical testing. Allele origin: germline. Affected: yes. Observed: 1 variant allele.
Comment: The variant creates a premature translational stop signal c.25573A>T;p.(Lys8525*) in SYNE1 gene. It is expected to result in an absent or disrupted protein product - PVS1.This variant is not present in population databases (rs1562922141, gnomAD; ABraOM no frequency) - PM2. In summary, the currently available evidence indicates that the variant is likely pathogenic.